The following is an entry in ClinVar:

NM_001291415.2(KDM6A):c.1194G>A (p.Gln398=)

Gene: KDM6A (lysine demethylase 6A; plus strand). Cytogenetic location: Xp11.3.
Variant type: single nucleotide variant.
Coding change: c.1194G>A on transcript NM_001291415.2 (MANE Select); coding-DNA position 1194, G replaced by A.
Protein change: p.Gln398=; no amino-acid change (glutamine 398 retained).
Molecular consequence: synonymous variant. On other transcripts: non-coding transcript variant (1).
Genome position (GRCh38, 1-based): chrX:45,059,466, G>A. VCF-style: chrX-45059466-G-A. GRCh37 (hg19) VCF-style: chrX-44918711-G-A.
Other names: c.1194G>A, p.Gln398= (NM_001291417.2, NM_001291418.2, NM_001410742.1 and 9 more transcripts); c.441G>A, p.Gln147= (NM_001291421.2).
Identifiers: ClinVar variation 2750497 (VCV002750497.3), dbSNP rs2522772115, ClinGen allele CA516349606.

ClinVar aggregate classification (germline): Uncertain significance (1 of 4 stars; one submission).

Conditions:
Kabuki syndrome 2 (KABUK2). Also called: KDM6A-Related Kabuki Syndrome. Identifiers: Orphanet 2322, MedGen C3275495, MONDO:0010465, OMIM 300867.

Submission:

Labcorp Genetics (formerly Invitae), Labcorp
Classification: Uncertain significance for Kabuki syndrome 2. Last evaluated: 2023-08-14. Review status: criteria provided, single submitter. Criteria: Invitae Variant Classification Sherloc (09022015). Collection method: clinical testing. Allele origin: germline.
Comment: This sequence change affects codon 398 of the KDM6A mRNA. It is a 'silent' change, meaning that it does not change the encoded amino acid sequence of the KDM6A protein. This variant also falls at the last nucleotide of exon 12, which is part of the consensus splice site for this exon. This variant is not present in population databases (gnomAD no frequency). This variant has not been reported in the literature in individuals affected with KDM6A-related conditions. Variants that disrupt the consensus splice site are a relatively common cause of aberrant splicing (PMID: 17576681, 9536098). Algorithms developed to predict the effect of sequence changes on RNA splicing suggest that this variant may disrupt the consensus splice site. In summary, the available evidence is currently insufficient to determine the role of this variant in disease. Therefore, it has been classified as a Variant of Uncertain Significance.

Literature cited by the submitters: PubMed 17576681; PubMed 9536098.